The following is an entry in ClinVar:

NM_007194.4(CHEK2):c.1384C>G (p.Leu462Val)

Gene: CHEK2 (checkpoint kinase 2; minus strand). Cytogenetic location: 22q12.1.
Variant type: single nucleotide variant.
Coding change: c.1384C>G on transcript NM_007194.4 (MANE Select); coding-DNA position 1384, C replaced by G.
Protein change: p.Leu462Val; replaces leucine 462 with valine.
Molecular consequence: missense variant.
Genome position (GRCh38, 1-based): chr22:28,694,109, G>C on the plus strand (C>G on the coding strand, the complement: CHEK2 is on the minus strand). VCF-style: chr22-28694109-G-C. GRCh37 (hg19) VCF-style: chr22-29090097-G-C.
Other names: c.1513C>G, p.Leu505Val (NM_001005735.3); c.721C>G, p.Leu241Val (NM_001257387.3); c.1183C>G, p.Leu395Val (NM_001349956.3); c.1297C>G, p.Leu433Val (NM_145862.3); short protein forms L462V, L505V, L241V, L395V, L433V.
Identifiers: ClinVar variation 1045884 (VCV001045884.12), dbSNP rs751228409, ClinGen allele CA10167659.

ClinVar aggregate classification (germline): Uncertain significance. Review status: criteria provided, multiple submitters, no conflicts (2 of 4 stars). 2 submissions from 2 submitters: Uncertain significance (2). Last evaluated 2024-10-07.

Conditions:
Hereditary cancer-predisposing syndrome. Also called: Hereditary Cancer Syndrome; Tumor predisposition; Hereditary neoplastic syndrome; Neoplastic Syndromes, Hereditary. Identifiers: Orphanet 140162, MedGen C0027672, MeSH D009386, MONDO:0015356.
Familial cancer of breast. Also called: Hereditary breast cancer; hereditary breast carcinoma; BREAST CANCER, FAMILIAL. Identifiers: Orphanet 227535, MedGen C0346153, MONDO:0016419, OMIM 114480. Disease mechanism: loss of function.

Allele frequency attached by ClinVar (database versions not stated): ExAC 0.00001.

Submissions (2):

Labcorp Genetics (formerly Invitae), Labcorp
Classification: Uncertain significance for Familial cancer of breast. Last evaluated: 2024-10-07. Review status: criteria provided, single submitter. Criteria: Invitae Variant Classification Sherloc (09022015). Collection method: clinical testing. Allele origin: germline.
Comment: This sequence change replaces leucine, which is neutral and non-polar, with valine, which is neutral and non-polar, at codon 462 of the CHEK2 protein (p.Leu462Val). This variant is not present in population databases (gnomAD no frequency). This variant has not been reported in the literature in individuals affected with CHEK2-related conditions. ClinVar contains an entry for this variant (Variation ID: 1045884). An algorithm developed to predict the effect of missense changes on protein structure and function (PolyPhen-2) suggests that this variant is likely to be disruptive. In summary, the available evidence is currently insufficient to determine the role of this variant in disease. Therefore, it has been classified as a Variant of Uncertain Significance.

Ambry Genetics
Classification: Uncertain significance for Hereditary cancer-predisposing syndrome. Last evaluated: 2020-09-02. Review status: criteria provided, single submitter. Criteria: Ambry Variant Classification Scheme 2023. Collection method: clinical testing. Allele origin: germline.
Comment: The p.L462V variant (also known as c.1384C>G), located in coding exon 12 of the CHEK2 gene, results from a C to G substitution at nucleotide position 1384. The leucine at codon 462 is replaced by valine, an amino acid with highly similar properties. This amino acid position is highly conserved in available vertebrate species. In addition, the in silico prediction for this alteration is inconclusive. Since supporting evidence is limited at this time, the clinical significance of this alteration remains unclear.